The following is an entry in ClinVar:

ClinVar aggregate classification (germline): Uncertain significance. Review status: criteria provided, multiple submitters, no conflicts (2 of 4 stars). 2 submissions from 2 submitters: Uncertain significance (2). Last evaluated 2024-08-05.

Allele frequency attached by ClinVar (database versions not stated): gnomAD exomes below 0.00001 and 0.00001; ExAC 0.00001; gnomAD 0.00002; TOPMed 0.00003; ESP Exome Variant Server 0.00008.
gnomAD v4.1: 17 of 1,610,362 alleles (0.0011%); highest among the groups gnomAD compares: African/African-American, 0.023%; no homozygotes.

Submissions (2):

Ambry Genetics
Classification: Uncertain significance. Last evaluated: 2024-08-05. Review status: criteria provided, single submitter. Criteria: Ambry Variant Classification Scheme 2023. Collection method: clinical testing. Allele origin: germline.

Labcorp Genetics (formerly Invitae), Labcorp
Classification: Uncertain significance. Last evaluated: 2023-07-03. Review status: criteria provided, single submitter. Criteria: Invitae Variant Classification Sherloc (09022015). Collection method: clinical testing. Allele origin: germline.
Comment: In summary, the available evidence is currently insufficient to determine the role of this variant in disease. Therefore, it has been classified as a Variant of Uncertain Significance. Algorithms developed to predict the effect of missense changes on protein structure and function output the following: SIFT: "Not Available"; PolyPhen-2: "Benign"; Align-GVGD: "Not Available". The histidine amino acid residue is found in multiple mammalian species, which suggests that this missense change does not adversely affect protein function. ClinVar contains an entry for this variant (Variation ID: 943707). This variant has not been reported in the literature in individuals affected with AHR-related conditions. This variant is present in population databases (rs374791470, gnomAD 0.008%). This sequence change replaces glutamine, which is neutral and polar, with histidine, which is basic and polar, at codon 113 of the AHR protein (p.Gln113His).

NM_001621.5(AHR):c.339A>T (p.Gln113His)

Gene: AHR (aryl hydrocarbon receptor; plus strand). Cytogenetic location: 7p21.1.
Variant type: single nucleotide variant.
Coding change: c.339A>T on transcript NM_001621.5 (MANE Select); coding-DNA position 339, A replaced by T.
Protein change: p.Gln113His; replaces glutamine 113 with histidine.
Molecular consequence: missense variant.
Genome position (GRCh38, 1-based): chr7:17,322,586, A>T. VCF-style: chr7-17322586-A-T. GRCh37 (hg19) VCF-style: chr7-17362210-A-T.
Other names: short protein forms Q113H.
Identifiers: ClinVar variation 943707 (VCV000943707.8), dbSNP rs374791470, ClinGen allele CA4171792.
Genomic context (GRCh38, chr7:17,322,586, plus strand): 5'-AAGAAACGGAGGCCAGGATAACTGTAGAGCAGCAAATTTCAGAGAAGGCCTGAACTTACA[A>T]GAAGGAGAATTCTTATTACAGGTAAATTTTAGTAAATATAGTTTCTTACACTAAGGACAG-3'
Protein context (NP_001612.1, residues 103-123): AANFREGLNL[Gln113His]EGEFLLQALN